The following is an entry in ClinVar:

NM_001378328.1(CELSR1):c.3530A>C (p.Glu1177Ala)

Gene: CELSR1 (cadherin EGF LAG seven-pass G-type receptor 1; minus strand). Cytogenetic location: 22q13.31.
Variant type: single nucleotide variant.
Coding change: c.3530A>C on transcript NM_001378328.1 (MANE Select); coding-DNA position 3530, A replaced by C.
Protein change: p.Glu1177Ala; replaces glutamic acid 1177 with alanine.
Molecular consequence: missense variant.
Genome position (GRCh38, 1-based): chr22:46,533,641, T>G on the plus strand (A>C on the coding strand, the complement: CELSR1 is on the minus strand). VCF-style: chr22-46533641-T-G. GRCh37 (hg19) VCF-style: chr22-46929538-T-G.
Other names: c.3530A>C, p.Glu1177Ala (NM_014246.4); short protein forms E1177A.
Identifiers: ClinVar variation 4690086 (VCV004690086.1).

ClinVar aggregate classification (germline): Uncertain significance (1 of 4 stars; one submission).

gnomAD v4.1: 1 of 1,576,366 alleles (0.000063%); highest among the groups gnomAD compares: African/African-American, 0.0013%; no homozygotes.

Submission:

GeneDx
Classification: Uncertain significance. Last evaluated: 2025-07-28. Review status: criteria provided, single submitter. Criteria: GeneDx Variant Classification Process June 2021. Collection method: clinical testing. Allele origin: germline. Affected: yes.
Comment: Not observed at significant frequency in large population cohorts (gnomAD); In silico analysis suggests that this missense variant does not alter protein structure/function; Has not been previously published as pathogenic or benign to our knowledge